The following is an entry in ClinVar:

NM_000751.3(CHRND):c.118A>G (p.Lys40Glu)

Gene: CHRND (cholinergic receptor nicotinic delta subunit; plus strand). Cytogenetic location: 2q37.1.
Variant type: single nucleotide variant.
Coding change: c.118A>G on transcript NM_000751.3 (MANE Select); coding-DNA position 118, A replaced by G.
Protein change: p.Lys40Glu; replaces lysine 40 with glutamic acid.
Molecular consequence: missense variant. On other transcripts: 5 prime UTR variant (2).
Genome position (GRCh38, 1-based): chr2:232,526,594, A>G. VCF-style: chr2-232526594-A-G. GRCh37 (hg19) VCF-style: chr2-233391304-A-G.
Other names: c.118A>G, p.Lys40Glu (NM_001256657.2); c.-154A>G (NM_001311195.2, NM_001311196.2); short protein forms K40E.
Identifiers: ClinVar variation 1359430 (VCV001359430.6), dbSNP rs1475752234, ClinGen allele CA350995908.

ClinVar aggregate classification (germline): Uncertain significance (1 of 4 stars; one submission).

Conditions:
Lethal multiple pterygium syndrome (LMPS). Identifiers: Orphanet 33108, MedGen C1854678, MONDO:0009668, OMIM 253290.

Allele frequency attached by ClinVar (database versions not stated): gnomAD exomes below 0.00001.
gnomAD v4.1: 3 of 1,613,710 alleles (0.00019%); highest among the groups gnomAD compares: Non-Finnish European, 0.000085%; no homozygotes.

Submission:

Labcorp Genetics (formerly Invitae), Labcorp
Classification: Uncertain significance for Lethal multiple pterygium syndrome. Last evaluated: 2022-06-27. Review status: criteria provided, single submitter. Criteria: Invitae Variant Classification Sherloc (09022015). Collection method: clinical testing. Allele origin: germline.
Comment: In summary, the available evidence is currently insufficient to determine the role of this variant in disease. Therefore, it has been classified as a Variant of Uncertain Significance. Algorithms developed to predict the effect of missense changes on protein structure and function are either unavailable or do not agree on the potential impact of this missense change (SIFT: "Tolerated"; PolyPhen-2: "Probably Damaging"; Align-GVGD: "Class C0"). This variant has not been reported in the literature in individuals affected with CHRND-related conditions. This variant is present in population databases (no rsID available, gnomAD 0.0009%). This sequence change replaces lysine, which is basic and polar, with glutamic acid, which is acidic and polar, at codon 40 of the CHRND protein (p.Lys40Glu).